The following is an entry in ClinVar:

NM_001127198.5(TMC6):c.1237G>C (p.Ala413Pro)

Gene: TMC6 (transmembrane channel like 6; minus strand). Cytogenetic location: 17q25.3.
Variant type: single nucleotide variant.
Coding change: c.1237G>C on transcript NM_001127198.5 (MANE Select); coding-DNA position 1237, G replaced by C.
Protein change: p.Ala413Pro; replaces alanine 413 with proline.
Molecular consequence: missense variant. On other transcripts: non-coding transcript variant (4).
Genome position (GRCh38, 1-based): chr17:78,121,702, C>G on the plus strand (G>C on the coding strand, the complement: TMC6 is on the minus strand). VCF-style: chr17-78121702-C-G. GRCh37 (hg19) VCF-style: chr17-76117783-C-G.
Other names: c.1237G>C (NM_007267.6); c.1237G>C, p.Ala413Pro (NM_001321185.1, NM_001374593.1, NM_001374594.1 and 4 more transcripts); short protein forms A413P.
Identifiers: ClinVar variation 788265 (VCV000788265.14), dbSNP rs555453763, ClinGen allele CA8795803.

ClinVar aggregate classification (germline): Conflicting classifications of pathogenicity. Review status: criteria provided, conflicting classifications (1 of 4 stars). 3 submissions from 3 submitters: Uncertain significance (1); Likely benign (1). 1 of the submissions does not count toward it. Last evaluated 2026-01-25.

Conditions:
TMC6-related disorder. Also called: TMC6-related condition.
Epidermodysplasia verruciformis. Identifiers: Orphanet 302, MedGen C0014522, MONDO:0009176.
Inborn genetic diseases. Identifiers: MedGen C0950123, MeSH D030342.

Allele frequency attached by ClinVar (database versions not stated): 1000 Genomes Project 30x 0.00047; gnomAD 0.00047 and 0.00054; 1000 Genomes Project 0.00060; gnomAD exomes 0.00070; ExAC 0.00141; TOPMed 0.00029.
gnomAD v4.1: 765 of 1,586,432 alleles (0.048%); highest among the groups gnomAD compares: South Asian, 0.27%; 1 homozygote.

Submissions (3):

Labcorp Genetics (formerly Invitae), Labcorp
Classification: Likely benign for Epidermodysplasia verruciformis. Last evaluated: 2026-01-25. Review status: criteria provided, single submitter. Criteria: Invitae Variant Classification Sherloc (09022015). Collection method: clinical testing. Allele origin: germline.

Ambry Genetics
Classification: Uncertain significance for Inborn genetic diseases. Last evaluated: 2021-10-18. Review status: criteria provided, single submitter. Criteria: Ambry Variant Classification Scheme 2023. Collection method: clinical testing. Allele origin: germline.

PreventionGenetics, part of Exact Sciences
Classification: Likely benign for TMC6-related condition. Last evaluated: 2023-05-09. Review status: no assertion criteria provided. Collection method: clinical testing. Allele origin: germline. Not counted in ClinVar's aggregate classification.
Comment: This variant is classified as likely benign based on ACMG/AMP sequence variant interpretation guidelines (Richards et al. 2015 PMID: 25741868, with internal and published modifications).